The following is an entry in ClinVar:

NM_007272.3(CTRC):c.25G>T (p.Ala9Ser)

Gene: CTRC (chymotrypsin C; plus strand). Cytogenetic location: 1p36.21.
Variant type: single nucleotide variant.
Coding change: c.25G>T on transcript NM_007272.3 (MANE Select); coding-DNA position 25, G replaced by T.
Protein change: p.Ala9Ser; replaces alanine 9 with serine.
Molecular consequence: missense variant.
Genome position (GRCh38, 1-based): chr1:15,438,489, G>T. VCF-style: chr1-15438489-G-T. GRCh37 (hg19) VCF-style: chr1-15764985-G-T.
Other names: p.Ala9Ser; short protein forms A9S.
Identifiers: ClinVar variation 292903 (VCV000292903.13), dbSNP rs749888586, ClinGen allele CA613180.

ClinVar aggregate classification (germline): Uncertain significance. Review status: criteria provided, multiple submitters, no conflicts (2 of 4 stars). 3 submissions from 3 submitters: Uncertain significance (3). Last evaluated 2025-11-20.

Conditions:
Hereditary pancreatitis (PCTT). Also called: Hereditary chronic pancreatitis; PRSS1-Related Hereditary Pancreatitis. Identifiers: Orphanet 676, MedGen C0238339, MONDO:0008185, OMIM 167800.

Allele frequency attached by ClinVar (database versions not stated): TOPMed below 0.00001; gnomAD 0.00001; gnomAD exomes 0.00001 and 0.00002; ExAC 0.00003.

Submissions (3):

Ambry Genetics
Classification: Uncertain significance for Hereditary pancreatitis. Last evaluated: 2025-11-20. Review status: criteria provided, single submitter. Criteria: Ambry Variant Classification Scheme 2023. Collection method: clinical testing. Allele origin: germline.
Comment: The p.A9S variant (also known as c.25G>T), located in coding exon 1 of the CTRC gene, results from a G to T substitution at nucleotide position 25. The alanine at codon 9 is replaced by serine, an amino acid with similar properties. This amino acid position is conserved. In addition, this alteration is predicted to be tolerated by in silico analysis. Since supporting evidence is limited at this time, the clinical significance of this alteration remains unclear.

Mayo Clinic Laboratories, Mayo Clinic
Classification: Uncertain significance. Last evaluated: 2021-10-19. Review status: criteria provided, single submitter. Criteria: ACMG Guidelines, 2015. Collection method: clinical testing. Allele origin: germline.

Illumina Laboratory Services, Illumina
Classification: Uncertain significance for Hereditary pancreatitis. Last evaluated: 2018-01-13. Review status: criteria provided, single submitter. Criteria: ICSL Variant Classification Criteria 13 December 2019. Collection method: clinical testing. Allele origin: germline.